The following is an entry in ClinVar:

ClinVar aggregate classification (germline): Uncertain significance (0 of 4 stars; one submission).

Conditions:
NCOA1-related disorder. Also called: NCOA1-related condition.

Submission:

PreventionGenetics, part of Exact Sciences
Classification: Uncertain significance for NCOA1-related condition. Last evaluated: 2023-12-07. Review status: no assertion criteria provided. Collection method: clinical testing. Allele origin: germline.
Comment: The NCOA1 c.1016G>C variant is predicted to result in the amino acid substitution p.Ser339Thr. To our knowledge, this variant has not been reported in the literature or in a large population database, indicating this variant is rare. At this time, the clinical significance of this variant is uncertain due to the absence of conclusive functional and genetic evidence.

NM_003743.5(NCOA1):c.1016G>C (p.Ser339Thr)

Gene: NCOA1 (nuclear receptor coactivator 1; plus strand). Cytogenetic location: 2p23.3.
Variant type: single nucleotide variant.
Coding change: c.1016G>C on transcript NM_003743.5 (MANE Select); coding-DNA position 1016, G replaced by C.
Protein change: p.Ser339Thr; replaces serine 339 with threonine.
Molecular consequence: missense variant.
Genome position (GRCh38, 1-based): chr2:24,705,152, G>C. VCF-style: chr2-24705152-G-C. GRCh37 (hg19) VCF-style: chr2-24928021-G-C.
Other names: c.1016G>C, p.Ser339Thr (NM_001362950.1, NM_001362952.1, NM_001362954.1 and 3 more transcripts); short protein forms S339T.
Identifiers: ClinVar variation 3357714 (VCV003357714.1).